The following is an entry in ClinVar:

ClinVar aggregate classification (germline): Pathogenic. Review status: criteria provided, multiple submitters, no conflicts (2 of 4 stars). 3 submissions from 3 submitters: Pathogenic (2). 1 of the submissions does not count toward it. Last evaluated 2026-04-24.

Conditions:
TSC2-related disorder. Also called: TSC2-Related Disorders; TSC2-related condition.
Hereditary cancer-predisposing syndrome. Also called: Hereditary Cancer Syndrome; Neoplastic Syndromes, Hereditary; Hereditary neoplastic syndrome; Tumor predisposition. Identifiers: Orphanet 140162, MedGen C0027672, MeSH D009386, MONDO:0015356.
Tuberous sclerosis syndrome (TSC). Also called: Tuberous Sclerosis Complex; Tuberous sclerosis. Identifiers: Orphanet 805, MedGen C0041341, MONDO:0001734.

Submissions (3):

PreventionGenetics, part of Exact Sciences
Classification: Pathogenic for TSC2-related condition. Last evaluated: 2026-04-24. Review status: criteria provided, single submitter. Criteria: ACMG Guidelines, 2015. Collection method: clinical testing. Allele origin: germline.
Comment: The TSC2 c.1599+2T>C variant is predicted to disrupt the GT donor site and interfere with normal splicing. This variant has been reported in an individual with tuberous sclerosis (Hung et al. 2006. PubMed ID: 16981987). This variant has not been reported in a large population database (gnomAD), indicating this variant is rare. This variant is interpreted as pathogenic in ClinVar (Variation ID: 191092). Variants that disrupt the consensus splice donor site in TSC2 are expected to be pathogenic. This variant is interpreted as pathogenic.

Ambry Genetics
Classification: Pathogenic for Hereditary cancer-predisposing syndrome. Last evaluated: 2016-02-17. Review status: criteria provided, single submitter. Criteria: Ambry Autosomal Dominant and X-Linked criteria (10/2015). Collection method: clinical testing. Allele origin: germline. Observed: 1 variant allele.
Comment: In addition to the clinical data presented in the literature, alterations that disrupt the canonical splice site are expected to cause aberrant splicing, resulting in an abnormal protein or a transcript that is subject to nonsense-mediated mRNA decay. As such, this alteration is classified as a disease-causing mutation.

Tuberous sclerosis database (TSC2)
No classification provided. Condition: TSC. Review status: no classification provided. Criteria: Tuberous Sclerosis Database Assertion Criteria 2015. Collection method: curation. Allele origin: germline. Affected: yes. Not counted in ClinVar's aggregate classification.

Literature cited by the submitters: PubMed 16981987 (cited by Ambry Genetics).

NM_000548.5(TSC2):c.1599+2T>C

Gene: TSC2 (TSC complex subunit 2; plus strand). Cytogenetic location: 16p13.3.
Variant type: single nucleotide variant.
Coding change: c.1599+2T>C on transcript NM_000548.5 (MANE Select); the canonical splice donor site of the intron after coding-DNA position 1599, T replaced by C.
Molecular consequence: splice donor variant.
Genome position (GRCh38, 1-based): chr16:2,064,429, T>C. VCF-style: chr16-2064429-T-C. GRCh37 (hg19) VCF-style: chr16-2114430-T-C.
Other names: c.1599+2T>C (NM_001370405.1, NM_001363528.2, NM_001406665.1 and 7 more transcripts); c.255+2T>C (NM_001406694.1, NM_001406695.1, NM_001406696.1 and 6 more transcripts); c.1587+2T>C (NM_001406671.1, NM_001406673.1); c.1137+2T>C (NM_001406681.1); c.1488+2T>C (NM_001406670.1, NM_001318827.2, NM_001406678.1); c.999+2T>C (NM_001406682.1, NM_001406684.1, NM_001406685.1 and 6 more transcripts); c.1542+2T>C (NM_001406677.1); c.1452+2T>C (NM_001406675.1, NM_001406676.1, NM_001318829.2 and 1 more transcripts); and 3 more.
Identifiers: ClinVar variation 49647 (VCV000049647.5), dbSNP rs45517183, ClinGen allele CA015210.